The following is an entry in ClinVar:

ClinVar aggregate classification (germline): Likely pathogenic (1 of 4 stars; one submission).

Submission:

Labcorp Genetics (formerly Invitae), Labcorp
Classification: Likely pathogenic. Last evaluated: 2023-10-11. Review status: criteria provided, single submitter. Criteria: Invitae Variant Classification Sherloc (09022015). Collection method: clinical testing. Allele origin: germline.
Comment: This sequence change affects a donor splice site in intron 61 of the COL11A2 gene. It is expected to disrupt RNA splicing. Variants that disrupt the donor or acceptor splice site typically lead to a loss of protein function (PMID: 16199547), and loss-of-function variants in COL11A2 are known to be pathogenic (PMID: 10677296, 21204229). This variant is not present in population databases (gnomAD no frequency). This variant has not been reported in the literature in individuals affected with COL11A2-related conditions. Algorithms developed to predict the effect of sequence changes on RNA splicing suggest that this variant may disrupt the consensus splice site. In summary, the currently available evidence indicates that the variant is pathogenic, but additional data are needed to prove that conclusively. Therefore, this variant has been classified as Likely Pathogenic.

Literature cited by the submitters: PubMed 16199547; PubMed 10677296; PubMed 21204229.

NM_080680.3(COL11A2):c.4428+1G>A

Gene: COL11A2 (collagen type XI alpha 2 chain; minus strand). Cytogenetic location: 6p21.32.
Variant type: single nucleotide variant.
Coding change: c.4428+1G>A on transcript NM_080680.3 (MANE Select); the canonical splice donor site of the intron after coding-DNA position 4428, G replaced by A.
Molecular consequence: splice donor variant.
Genome position (GRCh38, 1-based): chr6:33,166,170, C>T on the plus strand (G>A on the coding strand, the complement: COL11A2 is on the minus strand). VCF-style: chr6-33166170-C-T. GRCh37 (hg19) VCF-style: chr6-33133947-C-T.
Other names: c.3402+1G>A (NM_001424111.1, NM_001424110.1); c.4107+1G>A (NM_080679.3); c.4170+1G>A (NM_080681.3); c.4248+1G>A (NM_001424108.1); c.3582+1G>A (NM_001424109.1); c.2382+1G>A (NM_001424112.1).
Identifiers: ClinVar variation 2767593 (VCV002767593.3), dbSNP rs2534488667, ClinGen allele CA363619681.